The following is an entry in ClinVar:

ClinVar aggregate classification (germline): Uncertain significance (1 of 4 stars; one submission).

gnomAD v4.1: 2 of 1,612,278 alleles (0.00012%); highest among the groups gnomAD compares: African/African-American, 0.0027%; no homozygotes.

Submission:

Mayo Clinic Laboratories, Mayo Clinic
Classification: Uncertain significance. Last evaluated: 2025-05-13. Review status: criteria provided, single submitter. Criteria: ACMG Guidelines, 2015. Collection method: clinical testing. Allele origin: germline. Observed: 1 variant allele.
Comment: BP4, PM2_supporting

NM_005245.4(FAT1):c.9439G>A (p.Val3147Met)

Gene: FAT1 (FAT atypical cadherin 1; minus strand). Cytogenetic location: 4q35.2.
Variant type: single nucleotide variant.
Coding change: c.9439G>A on transcript NM_005245.4 (MANE Select); coding-DNA position 9439, G replaced by A.
Protein change: p.Val3147Met; replaces valine 3147 with methionine.
Molecular consequence: missense variant.
Genome position (GRCh38, 1-based): chr4:186,613,133, C>T on the plus strand (G>A on the coding strand, the complement: FAT1 is on the minus strand). VCF-style: chr4-186613133-C-T. GRCh37 (hg19) VCF-style: chr4-187534287-C-T.
Other names: p.Val3147Met; c.9439G>A, p.Val3147Met (NM_001440455.1, NM_001440456.1, NM_001440457.1); short protein forms V3147M.
Identifiers: ClinVar variation 4541026 (VCV004541026.1).